The following is an entry in ClinVar:

ClinVar aggregate classification (germline): Likely benign. Review status: criteria provided, multiple submitters, no conflicts (2 of 4 stars). 2 submissions from 2 submitters: Likely benign (2). Last evaluated 2025-08-31.

Conditions:
Osteogenesis imperfecta type 7 (OI7). Also called: OSTEOGENESIS IMPERFECTA, TYPE IIB; Osteogenesis imperfecta type 2B; OI type 2B; Osteogenesis imperfecta, perinatal lethal autosomal recessive; OI type IIB; OI type 7. Identifiers: MedGen C1853162, MONDO:0012536, OMIM 610682.

Allele frequency attached by ClinVar (database versions not stated): gnomAD 0.00001; ExAC 0.00002; gnomAD exomes 0.00002; TOPMed 0.00005.
gnomAD v4.1: 10 of 1,613,780 alleles (0.00062%); highest among the groups gnomAD compares: African/African-American, 0.0067%; no homozygotes.

Submissions (2):

Labcorp Genetics (formerly Invitae), Labcorp
Classification: Likely benign for Osteogenesis imperfecta type 7. Last evaluated: 2025-08-31. Review status: criteria provided, single submitter. Criteria: Invitae Variant Classification Sherloc (09022015). Collection method: clinical testing. Allele origin: germline.

GeneDx
Classification: Likely benign. Last evaluated: 2017-10-30. Review status: criteria provided, single submitter. Criteria: GeneDx Variant Classification (06012015). Collection method: clinical testing. Allele origin: germline. Affected: yes.
Comment: This variant is considered likely benign or benign based on one or more of the following criteria: it is a conservative change, it occurs at a poorly conserved position in the protein, it is predicted to be benign by multiple in silico algorithms, and/or has population frequency not consistent with disease.

NM_006371.5(CRTAP):c.793+17T>A

Gene: CRTAP (cartilage associated protein; plus strand). Cytogenetic location: 3p22.3.
Variant type: single nucleotide variant.
Coding change: c.793+17T>A on transcript NM_006371.5 (MANE Select); 17 bases into the intron after coding-DNA position 793, T replaced by A.
Molecular consequence: intron variant.
Genome position (GRCh38, 1-based): chr3:33,124,596, T>A. VCF-style: chr3-33124596-T-A. GRCh37 (hg19) VCF-style: chr3-33166088-T-A.
Other names: c.793+17T>A (NM_001393363.1, NM_001393364.1); c.643+17T>A (NM_001393365.1).
Identifiers: ClinVar variation 513089 (VCV000513089.5), dbSNP rs767057725, ClinGen allele CA2300392.
Genomic context (GRCh38, chr3:33,124,596, plus strand): 5'-CAGGGAGATCAAGGACTTCAAGGATTTCTACCTTTCCATAGCAGGTTGGTGGTAGGTCAA[T>A]AGGCTCACTACTCCCATGGAATAGTCTTCCTTAGATGTCTGGTTTCTGCCTGCATGCCTG-3'